The following is an entry in ClinVar:

NM_052947.4(ALPK2):c.6468A>G (p.Thr2156=)

Gene: ALPK2 (alpha kinase 2; minus strand). Cytogenetic location: 18q21.31.
Variant type: single nucleotide variant.
Coding change: c.6468A>G on transcript NM_052947.4 (MANE Select); coding-DNA position 6468, A replaced by G.
Protein change: p.Thr2156=; no amino-acid change (threonine 2156 retained).
Molecular consequence: synonymous variant.
Genome position (GRCh38, 1-based): chr18:58,481,868, T>C on the plus strand (A>G on the coding strand, the complement: ALPK2 is on the minus strand). VCF-style: chr18-58481868-T-C. GRCh37 (hg19) VCF-style: chr18-56149100-T-C.
Identifiers: ClinVar variation 1753685 (VCV001753685.4), dbSNP rs138028987, ClinGen allele CA8976146.

ClinVar aggregate classification (germline): Likely benign. Review status: criteria provided, single submitter (1 of 4 stars). 2 submissions from 2 submitters: Likely benign (1). 1 of the submissions does not count toward it. Last evaluated 2022-02-12.

Conditions:
ALPK2-related disorder. Also called: ALPK2-related condition.

Allele frequency attached by ClinVar (database versions not stated): ESP Exome Variant Server 0.00008; ExAC 0.00305; 1000 Genomes Project 0.00559; 1000 Genomes Project 30x 0.00609.
gnomAD v4.1: 1,917 of 1,614,098 alleles (0.12%); highest among the groups gnomAD compares: South Asian, 2%; 43 homozygotes.

Submissions (2):

Ambry Genetics
Classification: Likely benign. Last evaluated: 2022-02-12. Review status: criteria provided, single submitter. Criteria: Ambry Variant Classification Scheme 2023. Collection method: clinical testing. Allele origin: germline.

PreventionGenetics, part of Exact Sciences
Classification: Benign for ALPK2-related condition. Last evaluated: 2019-04-24. Review status: no assertion criteria provided. Collection method: clinical testing. Allele origin: germline. Not counted in ClinVar's aggregate classification.
Comment: This variant is classified as benign based on ACMG/AMP sequence variant interpretation guidelines (Richards et al. 2015 PMID: 25741868, with internal and published modifications).